The following is an entry in ClinVar:

NM_017491.5(WDR1):c.1057A>G (p.Thr353Ala)

Gene: WDR1 (WD repeat domain 1; minus strand). Cytogenetic location: 4p16.1.
Variant type: single nucleotide variant.
Coding change: c.1057A>G on transcript NM_017491.5 (MANE Select); coding-DNA position 1057, A replaced by G.
Protein change: p.Thr353Ala; replaces threonine 353 with alanine.
Molecular consequence: missense variant.
Genome position (GRCh38, 1-based): chr4:10,083,161, T>C on the plus strand (A>G on the coding strand, the complement: WDR1 is on the minus strand). VCF-style: chr4-10083161-T-C. GRCh37 (hg19) VCF-style: chr4-10084785-T-C.
Other names: p.Thr353Ala; c.637A>G, p.Thr213Ala (NM_005112.5); short protein forms T213A, T353A.
Identifiers: ClinVar variation 4540975 (VCV004540975.1).
Genomic context (GRCh38, chr4:10,083,161, plus strand): 5'-CGGTCATCCTGGACACCTGGTTCGTGTGGCCTTTCCCAGCGAAGGAGTCGTTCTCCCCCG[T>C]CTCTGAATCCCAGTAATGTAGGGTGGGGTTAAGGAAAAGCCCGGCTCCCAGGACTGCTGG-3'
Protein context (NP_059830.1, residues 343-363): DGHINYWDSE[Thr353Ala]GENDSFAGKG

ClinVar aggregate classification (germline): Uncertain significance (1 of 4 stars; one submission).

Submission:

Mayo Clinic Laboratories, Mayo Clinic
Classification: Uncertain significance. Last evaluated: 2025-12-17. Review status: criteria provided, single submitter. Criteria: ACMG Guidelines, 2015. Collection method: clinical testing. Allele origin: germline. Observed: 1 variant allele.
Comment: BP4, PM2_supporting